The following is an entry in ClinVar:

NM_014009.4(FOXP3):c.454+4A>G

Gene: FOXP3 (forkhead box P3; minus strand). Cytogenetic location: Xp11.23.
Variant type: single nucleotide variant.
Coding change: c.454+4A>G on transcript NM_014009.4 (MANE Select); 4 bases into the intron after coding-DNA position 454, A replaced by G.
Molecular consequence: intron variant.
Genome position (GRCh38, 1-based): chrX:49,257,423, T>C on the plus strand (A>G on the coding strand, the complement: FOXP3 is on the minus strand). VCF-style: chrX-49257423-T-C. GRCh37 (hg19) VCF-style: chrX-49113880-T-C.
Other names: c.349+4A>G (NM_001114377.2).
Identifiers: ClinVar variation 1492713 (VCV001492713.9), dbSNP rs2147948858, ClinGen allele CA2573158903.
Genomic context (GRCh38, chrX:49,257,423, plus strand): 5'-CACAGCCAAGGATCTGGGGACTTGGGGGTTCTGTGAAGCCATGGGGTACGGGCTGAGGTG[T>C]TACCAGGTGGGAGGCCAGGCCGGGCCTTGAGGGAGAAGACCCCAGTGGCGGTGGTGGGTG-3'

ClinVar aggregate classification (germline): Likely pathogenic. Review status: criteria provided, multiple submitters, no conflicts (2 of 4 stars). 2 submissions from 2 submitters: Likely pathogenic (2). Last evaluated 2023-06-13.

Conditions:
FOXP3-related disorder. Also called: FOXP3-related condition.
Insulin-dependent diabetes mellitus secretory diarrhea syndrome (IPEX). Also called: Immunodysregulation, polyendocrinopathy, and enteropathy, X-linked; Immunodeficiency, Polyendocrinopathy, and Enteropathy X-Linked Syndrome; X-Linked Syndrome of Polyendocrinopathy, Immune Dysfunction, and Diarrhea; IMMUNODEFICIENCY, POLYENDOCRINOPATHY, AND ENTEROPATHY, X-LINKED; X-Linked Autoimmunity-Allergic Dysregulation Syndrome; IPEX and IPEX-Like. Identifiers: Orphanet 37042, MedGen C0342288, MONDO:0010580, OMIM 304790. Disease mechanism: loss of function.

Submissions (2):

Blueprint Genetics
Classification: Likely pathogenic for FOXP3-related disorders. Last evaluated: 2023-06-13. Review status: criteria provided, single submitter. Criteria: ACMG Guidelines, 2015. Collection method: clinical testing. Allele origin: germline. Affected: yes. Observed: 2 variant alleles.

Labcorp Genetics (formerly Invitae), Labcorp
Classification: Likely pathogenic for Insulin-dependent diabetes mellitus secretory diarrhea syndrome. Last evaluated: 2022-08-23. Review status: criteria provided, single submitter. Criteria: Invitae Variant Classification Sherloc (09022015). Collection method: clinical testing. Allele origin: germline.
Comment: In summary, the currently available evidence indicates that the variant is pathogenic, but additional data are needed to prove that conclusively. Therefore, this variant has been classified as Likely Pathogenic. This variant has been observed in individuals with clinical features of immunodysregulation, polyendocrinopathy, and enteropathy (IPEX) syndrome (PMID: 16630773, 29241729; Invitae). Variants that disrupt the consensus splice site are a relatively common cause of aberrant splicing (PMID: 17576681, 9536098). Studies have shown that this variant results in skipping of exons 2 and 3 and introduces a premature termination codon (PMID: 16630773). The resulting mRNA is expected to undergo nonsense-mediated decay. ClinVar contains an entry for this variant (Variation ID: 1492713). This variant is not present in population databases (gnomAD no frequency). This sequence change falls in intron 4 of the FOXP3 gene. It does not directly change the encoded amino acid sequence of the FOXP3 protein. RNA analysis indicates that this variant induces altered splicing and may result in an absent or disrupted protein product.

Literature cited by the submitters: PubMed 16630773 (cited by Labcorp Genetics (formerly Invitae), Labcorp); PubMed 29241729 (cited by Labcorp Genetics (formerly Invitae), Labcorp); PubMed 17576681 (cited by Labcorp Genetics (formerly Invitae), Labcorp); PubMed 9536098 (cited by Labcorp Genetics (formerly Invitae), Labcorp).